The following is an entry in ClinVar:

NM_004655.4(AXIN2):c.476A>T (p.Asp159Val)

Gene: AXIN2 (axin 2; minus strand). Cytogenetic location: 17q24.1.
Variant type: single nucleotide variant.
Coding change: c.476A>T on transcript NM_004655.4 (MANE Select); coding-DNA position 476, A replaced by T.
Protein change: p.Asp159Val; replaces aspartic acid 159 with valine.
Molecular consequence: missense variant.
Genome position (GRCh38, 1-based): chr17:65,558,145, T>A on the plus strand (A>T on the coding strand, the complement: AXIN2 is on the minus strand). VCF-style: chr17-65558145-T-A. GRCh37 (hg19) VCF-style: chr17-63554263-T-A.
Other names: c.476A>T, p.Asp159Val (NM_001363813.1); short protein forms D159V.
Identifiers: ClinVar variation 850438 (VCV000850438.10), dbSNP rs2044300284, ClinGen allele CA400681256.
Genomic context (GRCh38, chr17:65,558,145, plus strand): 5'-TGGATCTCGGTCTGCGCCTGGTCAAACATGATGGAATCAATCTGCTGCTTCTTGATGCCA[T>A]CTCTTATGTAGGTCTTGGTGGCAGGCTTCAGCTGCTTGGAGACAATGCTGTTGTTCTCAA-3'
Protein context (NP_004646.3, residues 149-169): LKPATKTYIR[Asp159Val]GIKKQQIDSI

ClinVar aggregate classification (germline): Uncertain significance. Review status: criteria provided, multiple submitters, no conflicts (2 of 4 stars). 2 submissions from 2 submitters: Uncertain significance (2). Last evaluated 2025-04-19.

Conditions:
Oligodontia-cancer predisposition syndrome. Also called: TOOTH AGENESIS-COLORECTAL CANCER SYNDROME. Identifiers: Orphanet 300576, MedGen C1837750, MONDO:0012075, OMIM 608615. Disease mechanism: loss of function.
Hereditary cancer-predisposing syndrome. Also called: Tumor predisposition; Neoplastic Syndromes, Hereditary; Hereditary neoplastic syndrome; Hereditary Cancer Syndrome. Identifiers: Orphanet 140162, MedGen C0027672, MeSH D009386, MONDO:0015356.

Submissions (2):

Ambry Genetics
Classification: Uncertain significance for Hereditary cancer-predisposing syndrome. Last evaluated: 2025-04-19. Review status: criteria provided, single submitter. Criteria: Ambry Variant Classification Scheme 2023. Collection method: clinical testing. Allele origin: germline.
Comment: The p.D159V variant (also known as c.476A>T), located in coding exon 1 of the AXIN2 gene, results from an A to T substitution at nucleotide position 476. The aspartic acid at codon 159 is replaced by valine, an amino acid with highly dissimilar properties. This amino acid position is conserved. In addition, the in silico prediction for this alteration is inconclusive. Based on the available evidence, the clinical significance of this variant remains unclear.

Labcorp Genetics (formerly Invitae), Labcorp
Classification: Uncertain significance for Oligodontia-cancer predisposition syndrome. Last evaluated: 2024-04-16. Review status: criteria provided, single submitter. Criteria: Invitae Variant Classification Sherloc (09022015). Collection method: clinical testing. Allele origin: germline.
Comment: This sequence change replaces aspartic acid, which is acidic and polar, with valine, which is neutral and non-polar, at codon 159 of the AXIN2 protein (p.Asp159Val). This variant is not present in population databases (gnomAD no frequency). This variant has not been reported in the literature in individuals affected with AXIN2-related conditions. ClinVar contains an entry for this variant (Variation ID: 850438). Advanced modeling of protein sequence and biophysical properties (such as structural, functional, and spatial information, amino acid conservation, physicochemical variation, residue mobility, and thermodynamic stability) performed at Invitae indicates that this missense variant is expected to disrupt AXIN2 protein function with a positive predictive value of 80%. In summary, the available evidence is currently insufficient to determine the role of this variant in disease. Therefore, it has been classified as a Variant of Uncertain Significance.